The following is an entry in ClinVar:

ClinVar aggregate classification (germline): Pathogenic. Review status: criteria provided, multiple submitters, no conflicts (2 of 4 stars). 9 submissions from 7 submitters: Pathogenic (5). 4 of the submissions do not count toward it. Last evaluated 2025-08-05.

Conditions:
beta Thalassemia (BTHAL). Also called: Cooley's anemia; Erythroblastic anemia; Mediterranean anemia. Identifiers: Orphanet 848, MedGen C0005283, MONDO:0019402. Disease mechanism: loss of function.
HEMOGLOBIN MALAY.
Beta-Malay-thalassemia. Identifiers: MedGen C4017510.
BETA-PLUS-THALASSEMIA. Identifiers: MedGen C3841475.

Submissions (9):

Natera, Inc.
Classification: Pathogenic for Beta thalassemia. Last evaluated: 2025-08-05. Review status: criteria provided, single submitter. Criteria: Natera Variant Classification Schema (03/2026). Collection method: clinical testing. Allele origin: germline.
Comment: The c.59A>G variant in HBB is a missense variant predicted to cause substitution of asparagine to serine at amino acid 20. This variant is rare in the general population with a frequency below the threshold expected for the associated phenotype(s). This variant has been observed in one or more individuals affected with the associated recessive disease, as either homozygous or compound heterozygous with a second variant (PMID: 2606476, 36939018). Given the available evidence, this variant is classified as Pathogenic.

Women's Health and Genetics/Laboratory Corporation of America, LabCorp
Classification: Pathogenic for beta Thalassemia. Last evaluated: 2025-03-04. Review status: criteria provided, single submitter. Criteria: LabCorp Variant Classification Summary - May 2015. Collection method: clinical testing. Allele origin: germline.
Comment: Variant summary: HBB c.59A>G (p.Asn20Ser) results in a conservative amino acid change in the encoded protein sequence. Three of three in-silico tools predict a benign effect of the variant on protein function. At least one publication reports experimental evidence that this variant affects mRNA splicing. The variant was absent in 251238 control chromosomes. c.59A>G has been reported in the literature in multiple individuals affected with Beta Thalassemia. These data indicate that the variant is very likely to be associated with disease. The following publications have been ascertained in the context of this evaluation (PMID: 2736244, 26291967, 2775294). ClinVar contains an entry for this variant (Variation ID: 15258). Based on the evidence outlined above, the variant was classified as pathogenic.

ARUP Laboratories, Molecular Genetics and Genomics, ARUP Laboratories
Classification: Pathogenic. Last evaluated: 2024-05-27. Review status: criteria provided, single submitter. Criteria: ARUP Molecular Germline Variant Investigation Process 2024. Collection method: clinical testing. Allele origin: germline.
Comment: The Hb Malay variant (HBB: c.59A>G; p.Asn20Ser, also known as Asn19Ser when numbered from the mature protein; rs33972047, HbVar ID: 256) is reported in the literature in numerous individuals affected with beta-thalassemia intermedia, either in the homozygous state or in trans to another pathogenic variant (Amran 2017, Ma 2000, Yang 1989, HbVar and references therein). This variant has been reported to segregate with disease in a family and has also been reported in heterozygous individuals with microcytosis and hypochromia (Amran 2017, Yan 1989). This variant is absent from the Genome Aggregation Database (v2.1.1), indicating it is not a common polymorphism. Computational analyses are uncertain whether this variant is neutral or deleterious (REVEL: 0.46). However, computational analyses (Alamut v.2.11) predict that this variant impacts splicing by creating a novel cryptic donor splice site. Based on available information, the Hb Malay variant is considered to be pathogenic. References: Link for HbVar: Amran HS et al. Case Series of Homozygous and Compound Heterozygosity of Hb Malay, the Diagnostic Features and Transfusion Requirements. J Biomed Clin Sci. 2017 Dec;2(2)23-25. Ma SK et al. Beta-thalassemia intermedia caused by compound heterozygosity for Hb Malay (beta codon 19 AAC-->AGC; asn-->Ser) and codons 41/42 (-CTTT) beta(0)-thalassemia mutation. Am J Hematol. 2000 Jul;64(3):206-9. PMID: 10861818 Yang KG et al. Molecular characterization of beta-globin gene mutations in Malay patients with Hb E-beta-thalassaemia and thalassaemia major. Br J Haematol. 1989 May;72(1):73-80. PMID: 2736244

Quest Diagnostics Nichols Institute San Juan Capistrano
Classification: Pathogenic. Last evaluated: 2021-08-25. Review status: criteria provided, single submitter. Criteria: Quest Diagnostics criteria. Collection method: clinical testing. Allele origin: unknown.
Comment: The HBB c.59A>G (p.Asn20Ser) pathogenic variant, also known as Hb Malay, is associated with beta (+)-thalassemia. Individuals heterozygous for Hb Malay have mild microcytosis and hypochromia while homozygous individuals are affected with thalassemia intermedia (PMID: 10861818 (2000), 22335963 (2012), 29695942 (2018)). In addition, this variant has been shown to result in abnormal HBB mRNA splicing (PMID: 2775294 (1989)).

Labcorp Genetics (formerly Invitae), Labcorp
Classification: Pathogenic. Last evaluated: 2021-08-21. Review status: criteria provided, single submitter. Criteria: Invitae Variant Classification Sherloc (09022015). Collection method: clinical testing. Allele origin: germline.
Comment: This sequence change replaces asparagine with serine at codon 20 of the HBB protein (p.Asn20Ser). The asparagine residue is moderately conserved and there is a small physicochemical difference between asparagine and serine. RNA analysis indicates that this missense change induces altered splicing and may result in an absent or disrupted protein product. This variant is not present in population databases (ExAC no frequency). This missense change has been observed in individuals with autosomal recessive beta-thalassemia (PMID: 2736244, 10861818, 25412720). It has also been observed to segregate with disease in related individuals. This variant is also known as CD19AG or Hb Malay. ClinVar contains an entry for this variant (Variation ID: 15258). Algorithms developed to predict the effect of missense changes on protein structure and function (SIFT, PolyPhen-2, Align-GVGD) all suggest that this variant is likely to be tolerated. Studies have shown that this missense change results in the use of an alternative splice site and introduces a premature termination codon (PMID: 2775294). The resulting mRNA is expected to undergo nonsense-mediated decay. For these reasons, this variant has been classified as Pathogenic.

OMIM
Classification: other for HEMOGLOBIN MALAY. Last evaluated: 2017-12-12. Review status: no assertion criteria provided. Collection method: literature only. Allele origin: germline. Not counted in ClinVar's aggregate classification.

OMIM
Classification: Pathogenic for BETA-PLUS-THALASSEMIA. Last evaluated: 1989-05-01. Review status: no assertion criteria provided. Collection method: literature only. Allele origin: germline. Not counted in ClinVar's aggregate classification.

OMIM
Classification: Pathogenic for BETA-MALAY-THALASSEMIA. Last evaluated: 1989-05-01. Review status: no assertion criteria provided. Collection method: literature only. Allele origin: germline. Not counted in ClinVar's aggregate classification.

GeneReviews
No classification provided. Condition: beta Thalassemia. Review status: no classification provided. Collection method: literature only. Allele origin: germline. Not counted in ClinVar's aggregate classification.

Literature cited by the submitters: PubMed 2606476 (cited by Natera, Inc.); PubMed 36939018 (cited by Natera, Inc.); PubMed 2736244 (cited by 4 submitters); PubMed 26291967 (cited by Women's Health and Genetics/Laboratory Corporation of America, LabCorp and Quest Diagnostics Nichols Institute San Juan Capistrano); PubMed 2775294 (cited by 3 submitters); PubMed 2393018 (cited by Quest Diagnostics Nichols Institute San Juan Capistrano); PubMed 10861818 (cited by Quest Diagnostics Nichols Institute San Juan Capistrano and Labcorp Genetics (formerly Invitae), Labcorp); PubMed 19429541 (cited by Quest Diagnostics Nichols Institute San Juan Capistrano); PubMed 22335963 (cited by Quest Diagnostics Nichols Institute San Juan Capistrano); PubMed 25412720 (cited by Quest Diagnostics Nichols Institute San Juan Capistrano and Labcorp Genetics (formerly Invitae), Labcorp); PubMed 20301599 (cited by Quest Diagnostics Nichols Institute San Juan Capistrano); PubMed 20395516 (cited by Quest Diagnostics Nichols Institute San Juan Capistrano); PubMed 33966551 (cited by Quest Diagnostics Nichols Institute San Juan Capistrano); PubMed 30309760 (cited by Quest Diagnostics Nichols Institute San Juan Capistrano); PubMed 29695942 (cited by Quest Diagnostics Nichols Institute San Juan Capistrano); PubMed 26554253 (cited by Quest Diagnostics Nichols Institute San Juan Capistrano); NCBI Bookshelf NBK1426 (cited by GeneReviews).

NM_000518.5(HBB):c.59A>G (p.Asn20Ser)

Genes: HBB (hemoglobin subunit beta; minus strand), LOC106099062 (HBB recombination region; plus strand), LOC107133510 (origin of replication at HBB; plus strand). Cytogenetic location: 11p15.4.
Variant type: single nucleotide variant.
Coding change: c.59A>G on transcript NM_000518.5 (MANE Select); coding-DNA position 59, A replaced by G.
Protein change: p.Asn20Ser; replaces asparagine 20 with serine.
Molecular consequence: missense variant.
Genome position (GRCh38, 1-based): chr11:5,226,963, T>C on the plus strand (A>G on the coding strand, the complement: HBB is on the minus strand). VCF-style: chr11-5226963-T-C. GRCh37 (hg19) VCF-style: chr11-5248193-T-C.
Other names: N19S; 19A>G; short protein forms N20S.
Identifiers: ClinVar variation 15258 (VCV000015258.26), dbSNP rs33972047, ClinGen allele CA125015.